The following is an entry in ClinVar:

NM_001368882.1(COL13A1):c.798C>T (p.Gly266=)

Gene: COL13A1 (collagen type XIII alpha 1 chain; plus strand). Cytogenetic location: 10q22.1.
Variant type: single nucleotide variant.
Coding change: c.798C>T on transcript NM_001368882.1 (MANE Select); coding-DNA position 798, C replaced by T.
Protein change: p.Gly266=; no amino-acid change (glycine 266 retained).
Molecular consequence: synonymous variant.
Genome position (GRCh38, 1-based): chr10:69,902,795, C>T. VCF-style: chr10-69902795-C-T. GRCh37 (hg19) VCF-style: chr10-71662551-C-T.
Other names: c.828C>T, p.Gly276= (NM_001130103.2); c.798C>T, p.Gly266= (NM_001320951.2, NM_001368884.1); c.762C>T, p.Gly254= (NM_001368883.1, NM_001368885.1, NM_080801.4 and 1 more transcripts); c.198C>T, p.Gly66= (NM_001368886.1); c.708C>T, p.Gly236= (NM_001368895.1); c.657C>T, p.Gly219= (NM_001368896.1, NM_001368898.1, NM_080798.4); c.684C>T, p.Gly228= (NM_001368897.1); c.771C>T, p.Gly257= (NM_080800.4); and 1 more.
Identifiers: ClinVar variation 3250927 (VCV003250927.19), dbSNP rs777001080.
Genomic context (GRCh38, chr10:69,902,795, plus strand): 5'-CCATGAACCTCAGGGCGAACAGAGCCAGGCCAGCATCCAAGGTCCACCAGGGCCCCCAGG[C>T]CCCCCTGGACCAAGTGGACCTCTGGGGCACCCAGGACTGCCAGGGCCTATGGGGCCACCT-3'
Protein context (NP_001355811.1, residues 256-276): ASIQGPPGPP[Gly266=]PPGPSGPLGH

ClinVar aggregate classification (germline): Likely benign. Review status: criteria provided, multiple submitters, no conflicts (2 of 4 stars). 2 submissions from 2 submitters: Likely benign (2). Last evaluated 2025-10-02.

Allele frequency attached by ClinVar (database versions not stated): ExAC 0.00004.
gnomAD v4.1: 28 of 1,551,462 alleles (0.0018%); highest among the groups gnomAD compares: Non-Finnish European, 0.0024%; no homozygotes.

Submissions (2):

Labcorp Genetics (formerly Invitae), Labcorp
Classification: Likely benign. Last evaluated: 2025-10-02. Review status: criteria provided, single submitter. Criteria: Invitae Variant Classification Sherloc (09022015). Collection method: clinical testing. Allele origin: germline.

CeGaT Center for Human Genetics Tuebingen
Classification: Likely benign. Last evaluated: 2024-06-01. Review status: criteria provided, single submitter. Criteria: CeGaT Center For Human Genetics Tuebingen Variant Classification Criteria Version 2. Collection method: clinical testing. Allele origin: germline. Affected: yes. Observed: 1 variant allele.
Comment: COL13A1: BP4, BP7